The following is an entry in ClinVar:

ClinVar aggregate classification (germline): Uncertain significance (1 of 4 stars; one submission).

Conditions:
Melanoma, cutaneous malignant, susceptibility to, 5. Also called: Cutaneous malignant melanoma 5. Identifiers: Orphanet 618, MedGen C2751295, MONDO:0013133, OMIM 613099.

gnomAD v4.1: 4 of 1,609,412 alleles (0.00025%); highest among the groups gnomAD compares: Non-Finnish European, 0.00025%; no homozygotes.

Submission:

Labcorp Genetics (formerly Invitae), Labcorp
Classification: Uncertain significance for Melanoma, cutaneous malignant, susceptibility to, 5. Last evaluated: 2022-02-18. Review status: criteria provided, single submitter. Criteria: Invitae Variant Classification Sherloc (09022015). Collection method: clinical testing. Allele origin: germline.
Comment: In summary, the available evidence is currently insufficient to determine the role of this variant in disease. Therefore, it has been classified as a Variant of Uncertain Significance. Algorithms developed to predict the effect of missense changes on protein structure and function (SIFT, PolyPhen-2, Align-GVGD) all suggest that this variant is likely to be tolerated. ClinVar contains an entry for this variant (Variation ID: 1039095). This missense change has been observed in individual(s) with melanoma (PMID: 24982914). The frequency data for this variant in the population databases is considered unreliable, as metrics indicate poor data quality at this position in the gnomAD database. This sequence change replaces alanine, which is neutral and non-polar, with serine, which is neutral and polar, at codon 222 of the MC1R protein (p.Ala222Ser).

Literature cited by the submitters: PubMed 24982914.

NM_002386.4(MC1R):c.664G>T (p.Ala222Ser)

Gene: MC1R (melanocortin 1 receptor; plus strand). Cytogenetic location: 16q24.3.
Variant type: single nucleotide variant.
Coding change: c.664G>T on transcript NM_002386.4 (MANE Select); coding-DNA position 664, G replaced by T.
Protein change: p.Ala222Ser; replaces alanine 222 with serine.
Molecular consequence: missense variant.
Genome position (GRCh38, 1-based): chr16:89,919,922, G>T. VCF-style: chr16-89919922-G-T. GRCh37 (hg19) VCF-style: chr16-89986330-G-T.
Other names: short protein forms A222S.
Identifiers: ClinVar variation 1039095 (VCV001039095.8), dbSNP rs369807854, ClinGen allele CA8255703.